The following is an entry in ClinVar:

ClinVar aggregate classification (germline): Likely pathogenic (1 of 4 stars; one submission).

Conditions:
POLR3A-related disorder. Also called: POLR3A-related condition; POLR3A-related disorders. Identifiers: MedGen CN378587, MONDO:0700276.

Submission:

PreventionGenetics, part of Exact Sciences
Classification: Likely pathogenic for POLR3A-related condition. Last evaluated: 2023-10-02. Review status: criteria provided, single submitter. Criteria: ACMG Guidelines, 2015. Collection method: clinical testing. Allele origin: germline.
Comment: The POLR3A c.2913dupA variant is predicted to result in a frameshift and premature protein termination (p.Phe972Ilefs*3). To our knowledge, this variant has not been reported in the literature or in a large population database, indicating this variant is rare. Frameshift variants in POLR3A are expected to be pathogenic.

NM_007055.4(POLR3A):c.2913dup (p.Phe972fs)

Gene: POLR3A (RNA polymerase III subunit A; minus strand). Cytogenetic location: 10q22.3.
Variant type: Duplication.
Coding change: c.2913dup on transcript NM_007055.4 (MANE Select); coding-DNA position 2913, one base duplicated (A; older notation c.2913dupA).
Protein change: p.Phe972fs; shifts the reading frame from phenylalanine 972.
Molecular consequence: frameshift variant.
Genome position (GRCh38, 1-based): chr10:77,986,148, T duplicated on the plus strand (A on the coding strand, the reverse complement: POLR3A is on the minus strand); the first of 7 consecutive T bases (chr10:77,986,148-77,986,154); duplicating any one gives the same sequence. VCF-style (leftmost placement, unchanged base first): chr10-77986147-A-AT. GRCh37 (hg19) VCF-style: chr10-79745905-A-AT.
Other names: short protein forms F972fs.
Identifiers: ClinVar variation 2628963 (VCV002628963.1), dbSNP rs772904218, ClinGen allele CA5570983.